The following is an entry in ClinVar:

NM_201384.3(PLEC):c.6507G>A (p.Lys2169=)

Gene: PLEC (plectin; minus strand). Cytogenetic location: 8q24.3.
Variant type: single nucleotide variant.
Coding change: c.6507G>A on transcript NM_201384.3 (MANE Select); coding-DNA position 6507, G replaced by A.
Protein change: p.Lys2169=; no amino-acid change (lysine 2169 retained).
Molecular consequence: synonymous variant.
Genome position (GRCh38, 1-based): chr8:143,923,422, C>T on the plus strand (G>A on the coding strand, the complement: PLEC is on the minus strand). VCF-style: chr8-143923422-C-T. GRCh37 (hg19) VCF-style: chr8-144997590-C-T.
Other names: c.6588G>A, p.Lys2196= (NM_000445.5); c.6465G>A, p.Lys2155= (NM_201378.4); c.6441G>A, p.Lys2147= (NM_201379.3); c.6918G>A, p.Lys2306= (NM_201380.4); c.6411G>A, p.Lys2137= (NM_201381.3); c.6507G>A, p.Lys2169= (NM_201382.4); c.6519G>A, p.Lys2173= (NM_201383.3).
Identifiers: ClinVar variation 282133 (VCV000282133.26), dbSNP rs199866902, ClinGen allele CA4925964.

ClinVar aggregate classification (germline): Benign/Likely benign. Review status: criteria provided, multiple submitters, no conflicts (2 of 4 stars). 7 submissions from 7 submitters: Benign (3); Likely benign (4). Last evaluated 2026-01-28.

Conditions:
Epidermolysis bullosa simplex, Ogna type (EBS5A). Also called: Pidermolysis bullosa simplex 5A, Ogna type; EPIDERMOLYSIS BULLOSA SIMPLEX 5A, OGNA TYPE. Identifiers: Orphanet 79401, MedGen C0432317, MONDO:0007555, OMIM 131950.
Epidermolysis bullosa simplex with nail dystrophy (EBS5D). Identifiers: MedGen C4225309, MONDO:0014661, OMIM 616487.
Autosomal recessive limb-girdle muscular dystrophy type 2Q (LGMDR17). Also called: MUSCULAR DYSTROPHY, LIMB-GIRDLE, AUTOSOMAL RECESSIVE 17. Identifiers: Orphanet 254361, MedGen C3150989, MONDO:0013390, OMIM 613723.
Epidermolysis bullosa simplex 5C, with pyloric atresia (EBS5C). Also called: Epidermolysis bullosa simplex with pyloric atresia; PLEC1-Related Epidermolysis Bullosa with Pyloric Atresia; PLEC-Related Epidermolysis Bullosa with Pyloric Atresia. Identifiers: Orphanet 158684, MedGen C2677349, MONDO:0012807, OMIM 612138.
Epidermolysis bullosa simplex 5B, with muscular dystrophy (EBS5B). Also called: Epidermolysis bullosa simplex with muscular dystrophy; EPIDERMOLYSIS BULLOSA SIMPLEX AND LIMB-GIRDLE MUSCULAR DYSTROPHY. Identifiers: Orphanet 257, MedGen C2931072, MONDO:0009181, OMIM 226670.

Allele frequency attached by ClinVar (database versions not stated): gnomAD exomes 0.00014 and 0.00038; ExAC 0.00055; ESP Exome Variant Server 0.00110; gnomAD 0.00151 and 0.00157; TOPMed 0.00171; 1000 Genomes Project 0.00240; 1000 Genomes Project 30x 0.00297.
gnomAD v4.1: 439 of 1,610,544 alleles (0.027%); highest among the groups gnomAD compares: African/African-American, 0.52%; 1 homozygote.

Submissions (7):

Labcorp Genetics (formerly Invitae), Labcorp
Classification: Benign for Autosomal recessive limb-girdle muscular dystrophy type 2Q; Epidermolysis bullosa simplex, Ogna type; Epidermolysis bullosa simplex with nail dystrophy; Epidermolysis bullosa simplex 5C, with pyloric atresia; Epidermolysis bullosa simplex 5B, with muscular dystrophy. Last evaluated: 2026-01-28. Review status: criteria provided, single submitter. Criteria: Invitae Variant Classification Sherloc (09022015). Collection method: clinical testing. Allele origin: germline.

CeGaT Center for Human Genetics Tuebingen
Classification: Likely benign. Last evaluated: 2025-09-01. Review status: criteria provided, single submitter. Criteria: CeGaT Center For Human Genetics Tuebingen Variant Classification Criteria Version 2. Collection method: clinical testing. Allele origin: germline. Affected: yes. Observed: 1 variant allele.
Comment: PLEC: BP4, BP7

Blueprint Genetics
Classification: Likely benign. Last evaluated: 2024-10-18. Review status: criteria provided, single submitter. Criteria: ACMG Guidelines, 2015. Collection method: clinical testing. Allele origin: germline.

Athena Diagnostics
Classification: Benign. Last evaluated: 2024-04-15. Review status: criteria provided, single submitter. Criteria: Athena Diagnostics Criteria. Collection method: clinical testing. Allele origin: unknown.

GeneDx
Classification: Likely benign. Last evaluated: 2021-03-10. Review status: criteria provided, single submitter. Criteria: GeneDx Variant Classification Process June 2021. Collection method: clinical testing. Allele origin: germline. Affected: yes.

Eurofins Ntd Llc (ga)
Classification: Benign. Last evaluated: 2015-07-21. Review status: criteria provided, single submitter. Criteria: EGL Classification Definitions 2015. Collection method: clinical testing. Allele origin: germline. Observed: 1 variant allele, 1 heterozygote.

Breakthrough Genomics
Classification: Likely benign. Review status: criteria provided, single submitter. Criteria: ACMG Guidelines, 2015. Collection method: not provided. Allele origin: germline. Inheritance: Autosomal recessive inheritance. Affected: yes.